The following is an entry in ClinVar:

ClinVar aggregate classification (germline): Conflicting classifications of pathogenicity. Review status: criteria provided, conflicting classifications (1 of 4 stars). 4 submissions from 4 submitters: Uncertain significance (3); Benign (1). Last evaluated 2025-05-21.

Conditions:
Hereditary cancer-predisposing syndrome. Also called: Neoplastic Syndromes, Hereditary; Hereditary Cancer Syndrome; Tumor predisposition; Hereditary neoplastic syndrome. Identifiers: Orphanet 140162, MedGen C0027672, MeSH D009386, MONDO:0015356.
Hereditary breast ovarian cancer syndrome. Also called: Hereditary breast and ovarian cancer syndrome (HBOC); Hereditary breast and ovarian cancer; Breast and ovarian cancer; BRCA1- and BRCA2-Associated Hereditary Breast and Ovarian Cancer; Hereditary breast and ovarian cancer syndrome; Hereditary breast and/or ovarian cancer syndrome. Identifiers: Orphanet 145, MedGen C0677776, MeSH D061325, MONDO:0003582. Disease mechanism: loss of function.

Allele frequency attached by ClinVar (database versions not stated): gnomAD exomes 0.00001.
gnomAD v4.1: 3 of 1,614,200 alleles (0.00019%); highest among the groups gnomAD compares: Non-Finnish European, 0.00025%; no homozygotes.

Submissions (4):

Ambry Genetics
Classification: Benign for Hereditary cancer-predisposing syndrome. Last evaluated: 2025-05-21. Review status: criteria provided, single submitter. Criteria: Ambry Variant Classification Scheme 2023. Collection method: clinical testing. Allele origin: germline.

Labcorp Genetics (formerly Invitae), Labcorp
Classification: Uncertain significance for Hereditary breast ovarian cancer syndrome. Last evaluated: 2025-02-01. Review status: criteria provided, single submitter. Criteria: Invitae Variant Classification Sherloc (09022015). Collection method: clinical testing. Allele origin: germline.
Comment: This sequence change replaces threonine, which is neutral and polar, with alanine, which is neutral and non-polar, at codon 2746 of the BRCA2 protein (p.Thr2746Ala). This variant is not present in population databases (gnomAD no frequency). This missense change has been observed in individual(s) with breast and/or ovarian cancer (PMID: 31954625). ClinVar contains an entry for this variant (Variation ID: 944612). Invitae Evidence Modeling of protein sequence and biophysical properties (such as structural, functional, and spatial information, amino acid conservation, physicochemical variation, residue mobility, and thermodynamic stability) indicates that this missense variant is not expected to disrupt BRCA2 protein function with a negative predictive value of 95%. In summary, the available evidence is currently insufficient to determine the role of this variant in disease. Therefore, it has been classified as a Variant of Uncertain Significance.

Genetic Services Laboratory, University of Chicago
Classification: Uncertain significance. Last evaluated: 2023-09-27. Review status: criteria provided, single submitter. Criteria: ACMG Guidelines, 2015. Collection method: clinical testing. Allele origin: germline. Affected: no.
Comment: DNA sequence analysis of the BRCA2 gene demonstrated a sequence change, c.8236A>G, in exon 18 that results in an amino acid change, p.Thr2746Ala. This sequence change has been previously described in an individual diagnosed with breast and/or ovarian cancer (PMID: 31954625). This sequence change has not been described in population databases such as ExAC and gnomAD. The p.Thr2746Ala change affects a moderately conserved amino acid residue located in a domain of the BRCA2 protein that is known to be functional. The p.Thr2746Ala substitution appears to be benign using several in-silico pathogenicity prediction tools (SIFT, PolyPhen2, Align GVGD, REVEL). Due to insufficient evidences and the lack of functional studies, the clinical significance of the p.Thr2746Ala change remains unknown at this time.

GeneDx
Classification: Uncertain significance. Last evaluated: 2019-10-14. Review status: criteria provided, single submitter. Criteria: GeneDx Variant Classification Process June 2021. Collection method: clinical testing. Allele origin: germline. Affected: yes.
Comment: Has not been previously published as pathogenic or benign to our knowledge; In silico analysis, which includes protein predictors and evolutionary conservation, supports that this variant does not alter protein structure/function; Not observed in large population cohorts (Lek 2016); Also known as BRCA2 8464A>G; This variant is associated with the following publications: (PMID: 31954625)

Literature cited by the submitters: PubMed 31954625 (cited by Ambry Genetics and Labcorp Genetics (formerly Invitae), Labcorp); PubMed 33471991 (cited by Ambry Genetics).

NM_000059.4(BRCA2):c.8236A>G (p.Thr2746Ala)

Gene: BRCA2 (BRCA2 DNA repair associated; plus strand). Cytogenetic location: 13q13.1.
Variant type: single nucleotide variant.
Coding change: c.8236A>G on transcript NM_000059.4 (MANE Select); coding-DNA position 8236, A replaced by G.
Protein change: p.Thr2746Ala; replaces threonine 2746 with alanine.
Molecular consequence: missense variant.
Genome position (GRCh38, 1-based): chr13:32,363,438, A>G. VCF-style: chr13-32363438-A-G. GRCh37 (hg19) VCF-style: chr13-32937575-A-G.
Other names: short protein forms T2746A.
Identifiers: ClinVar variation 944612 (VCV000944612.16), dbSNP rs2072759579, ClinGen allele CA387749882.